The following is an entry in ClinVar:

NM_203290.4(POLR1C):c.193A>G (p.Met65Val)

Gene: POLR1C (RNA polymerase I and III subunit C; plus strand). Cytogenetic location: 6p21.1.
Variant type: single nucleotide variant.
Coding change: c.193A>G on transcript NM_203290.4 (MANE Select); coding-DNA position 193, A replaced by G.
Protein change: p.Met65Val; replaces methionine 65 with valine.
Molecular consequence: missense variant.
Genome position (GRCh38, 1-based): chr6:43,519,384, A>G. VCF-style: chr6-43519384-A-G. GRCh37 (hg19) VCF-style: chr6-43487122-A-G.
Other names: c.193A>G, p.Met65Val (NM_001318876.2, NM_001363658.2); short protein forms M65V.
Identifiers: ClinVar variation 356872 (VCV000356872.61), dbSNP rs141471029, ClinGen allele CA3825367.

ClinVar aggregate classification (germline): Conflicting classifications of pathogenicity. Review status: criteria provided, conflicting classifications (1 of 4 stars). 14 submissions from 14 submitters: Pathogenic (1); Uncertain significance (12). 1 of the submissions does not count toward it. Last evaluated 2026-03-18.

Conditions:
Inborn genetic diseases. Identifiers: MedGen C0950123, MeSH D030342.
Hearing impairment. Also called: Impaired Hearing. Identifiers: MedGen C1384666, MONDO:0005365, HP:0000365.
Leukodystrophy, hypomyelinating, 11. Identifiers: Orphanet 88637, MedGen C4225305, MONDO:0014666, OMIM 616494.
Treacher Collins syndrome 3 (TCS3). Also called: POLR1C-Related Treacher Collins Syndrome. Identifiers: Orphanet 861, MedGen C1855433, MONDO:0009558, OMIM 248390.
POLR1C-related disorder. Also called: POLR1C-related condition; POLR1C-related disorders. Identifiers: MedGen CN239394, MONDO:0700278.

Allele frequency attached by ClinVar (database versions not stated): 1000 Genomes Project 0.00040; 1000 Genomes Project 30x 0.00047; ExAC 0.00082; TOPMed 0.00084; gnomAD exomes 0.00085 and 0.00152; gnomAD 0.00096 and 0.00100; ESP Exome Variant Server 0.00138.
gnomAD v4.1: 2,355 of 1,614,026 alleles (0.15%); highest among the groups gnomAD compares: Non-Finnish European, 0.18%; 4 homozygotes.

Submissions (14):

PreventionGenetics, part of Exact Sciences
Classification: Uncertain significance for POLR1C-related condition. Last evaluated: 2026-03-18. Review status: criteria provided, single submitter. Criteria: ACMG Guidelines, 2015. Collection method: clinical testing. Allele origin: germline.
Comment: The POLR1C c.193A>G variant is predicted to result in the amino acid substitution p.Met65Val. This variant has been reported in the compound heterozygous state with a pathogenic POLR1C variant (p.Arg279Gln) in an individual with clinical features consistent with POLR3-related hypomyelinating leukodystrophy (Ching-López et al. 2021. PubMed ID: 33804237). This variant has also been reported with POLR1C variants of uncertain significance and unknown phase in at least three additional individuals with hypomyelinating leukodystrophy (1 case with p.Arg191Gln in Thiffault et al. 2015. PubMed ID: 26151409; 2 cases with p.Arg191Gln and p.Val245Met, respectively, in Gauquelin et al. 2019. PubMed ID: 32042905). This variant is reported in 0.17% of alleles in individuals of European (non-Finnish) descent in gnomAD, which may be too common for a primary cause of disease. At this time, the clinical significance of this variant is uncertain due to the absence of conclusive functional and genetic evidence.

GeneDx
Classification: Uncertain significance. Last evaluated: 2024-11-20. Review status: criteria provided, single submitter. Criteria: GeneDx Variant Classification Process June 2021. Collection method: clinical testing. Allele origin: germline.
Comment: In silico analysis indicates that this missense variant does not alter protein structure/function; This variant is associated with the following publications: (PMID: 26151409, 34426522, 35012964, 33804237, 32042905, 37454246)

Blueprint Genetics
Classification: Uncertain significance. Last evaluated: 2024-10-30. Review status: criteria provided, single submitter. Criteria: ACMG Guidelines, 2015. Collection method: clinical testing. Allele origin: germline.

Fulgent Genetics
Classification: Uncertain significance for Treacher Collins syndrome 3; Leukodystrophy, hypomyelinating, 11. Last evaluated: 2024-06-05. Review status: criteria provided, single submitter. Criteria: ACMG Guidelines, 2015. Collection method: clinical testing. Allele origin: germline.

Women's Health and Genetics/Laboratory Corporation of America, LabCorp
Classification: Uncertain significance. Last evaluated: 2024-05-28. Review status: criteria provided, single submitter. Criteria: LabCorp Variant Classification Summary - May 2015. Collection method: clinical testing. Allele origin: germline.
Comment: Variant summary: POLR1C c.193A>G (p.Met65Val) results in a conservative amino acid change located in the DNA-directed RNA polymerase, RpoA/D/Rpb3-type (IPR011263) of the encoded protein sequence. Three of five in-silico tools predict a benign effect of the variant on protein function. The variant allele was found at a frequency of 0.0015 in 1614026 control chromosomes in the gnomAD database, including 4 homozygotes. This frequency is not significantly higher than estimated for a pathogenic variant in POLR1C causing POLR1C-Related Disorders, however published literature suggests biallelic individuals are expected to have early onset severe disease incompatible with homozygous controls. c.193A>G has been reported in the literature in the presumed or confirmed compound heterozygous state at least 4 individuals affected with clinical features of Hypomyelinating Leukodystrophy (example, Thiffault_2015, Gauquelin_2019, Ching-Lopez_2021, Schluter_2022), including at least 1 individual who carried a pathogenic variant in trans. To our knowledge, no experimental evidence demonstrating an impact on protein function has been reported. The following publications have been ascertained in the context of this evaluation (PMID: 33804237, 32042905, 35012964, 26151409). ClinVar contains an entry for this variant (Variation ID: 356872). Based on the evidence outlined above, the variant was classified as uncertain significance.

Labcorp Genetics (formerly Invitae), Labcorp
Classification: Uncertain significance. Last evaluated: 2024-01-22. Review status: criteria provided, single submitter. Criteria: Invitae Variant Classification Sherloc (09022015). Collection method: clinical testing. Allele origin: germline.
Comment: This sequence change replaces methionine, which is neutral and non-polar, with valine, which is neutral and non-polar, at codon 65 of the POLR1C protein (p.Met65Val). This variant is present in population databases (rs141471029, gnomAD 0.2%), and has an allele count higher than expected for a pathogenic variant. This missense change has been observed in individual(s) with POLR1C-related conditions (PMID: 26151409, 32042905, 33804237). ClinVar contains an entry for this variant (Variation ID: 356872). Advanced modeling of protein sequence and biophysical properties (such as structural, functional, and spatial information, amino acid conservation, physicochemical variation, residue mobility, and thermodynamic stability) performed at Invitae indicates that this missense variant is not expected to disrupt POLR1C protein function with a negative predictive value of 80%. In summary, the available evidence is currently insufficient to determine the role of this variant in disease. Therefore, it has been classified as a Variant of Uncertain Significance.

Department of Pathology and Laboratory Medicine, Sinai Health System
Classification: Uncertain significance for Leukodystrophy, hypomyelinating, 11. Last evaluated: 2023-01-25. Review status: criteria provided, single submitter. Criteria: ACMG Guidelines, 2015. Collection method: research. Allele origin: germline.

CeGaT Center for Human Genetics Tuebingen
Classification: Uncertain significance. Last evaluated: 2022-08-01. Review status: criteria provided, single submitter. Criteria: CeGaT Center For Human Genetics Tuebingen Variant Classification Criteria Version 2. Collection method: clinical testing. Allele origin: germline. Affected: yes. Observed: 1 variant allele.

Ambry Genetics
Classification: Uncertain significance for Inborn genetic diseases. Last evaluated: 2021-05-21. Review status: criteria provided, single submitter. Criteria: Ambry Variant Classification Scheme 2023. Collection method: clinical testing. Allele origin: germline.

Department of Otolaryngology – Head & Neck Surgery, Cochlear Implant Center
Classification: Uncertain significance for Hearing impairment. Last evaluated: 2021-04-12. Review status: criteria provided, single submitter. Criteria: ClinGen HL ACMG Specifications v1. Collection method: clinical testing. Allele origin: germline. Affected: yes.
Comment: PS1_Strong, PP3_Supporting, BS1_Supporting

Institute of Human Genetics, University of Leipzig Medical Center
Classification: Uncertain significance for Leukodystrophy, hypomyelinating, 11. Last evaluated: 2019-01-01. Review status: criteria provided, single submitter. Criteria: ACMG Guidelines, 2015. Collection method: clinical testing. Allele origin: unknown. Affected: yes.

Genetic Services Laboratory, University of Chicago
Classification: Uncertain significance. Last evaluated: 2017-11-28. Review status: criteria provided, single submitter. Criteria: ACMG Guidelines, 2015. Collection method: clinical testing. Allele origin: germline. Affected: no.

MyeliNeuroGene Lab, McGill University Health Center Research Institute
Classification: Pathogenic for Leukodystrophy, hypomyelinating, 11. Review status: criteria provided, single submitter. Criteria: ACMG Guidelines, 2015. Collection method: research. Allele origin: inherited. Inheritance: Autosomal recessive inheritance. Affected: no.

GeneReviews
No classification provided. Condition: Leukodystrophy, hypomyelinating, 11. Review status: no classification provided. Collection method: literature only. Allele origin: germline. Not counted in ClinVar's aggregate classification.

Literature cited by the submitters: PubMed 33804237 (cited by Women's Health and Genetics/Laboratory Corporation of America, LabCorp and Labcorp Genetics (formerly Invitae), Labcorp); PubMed 32042905 (cited by Women's Health and Genetics/Laboratory Corporation of America, LabCorp and Labcorp Genetics (formerly Invitae), Labcorp); PubMed 26151409 (cited by 4 submitters); PubMed 35012964 (cited by Women's Health and Genetics/Laboratory Corporation of America, LabCorp); PubMed 610060 (cited by MyeliNeuroGene Lab, McGill University Health Center Research Institute); PubMed 22855961 (cited by GeneReviews).